The following is an entry in ClinVar:

NM_000051.4(ATM):c.2119T>C (p.Ser707Pro)

Gene: ATM (ATM serine/threonine kinase; plus strand). Cytogenetic location: 11q22.3.
Variant type: single nucleotide variant.
Coding change: c.2119T>C on transcript NM_000051.4 (MANE Select); coding-DNA position 2119, T replaced by C.
Protein change: p.Ser707Pro; replaces serine 707 with proline.
Molecular consequence: missense variant.
Genome position (GRCh38, 1-based): chr11:108,254,034, T>C. VCF-style: chr11-108254034-T-C. GRCh37 (hg19) VCF-style: chr11-108124761-T-C.
Other names: p.S707P:TCT>CCT; c.2119T>C, p.Ser707Pro (NM_001351834.2); short protein forms S707P.
Identifiers: ClinVar variation 128454 (VCV000128454.98), dbSNP rs4986761, ClinGen allele CA151917.

ClinVar aggregate classification (germline): Benign/Likely benign. Review status: criteria provided, multiple submitters, no conflicts (2 of 4 stars). 33 submissions from 33 submitters: Benign (17); Likely benign (6). 10 of the submissions do not count toward it. Last evaluated 2026-09-01.

Conditions:
Hereditary cancer-predisposing syndrome. Also called: Neoplastic Syndromes, Hereditary; Hereditary Cancer Syndrome; Tumor predisposition; Hereditary neoplastic syndrome. Identifiers: Orphanet 140162, MedGen C0027672, MeSH D009386, MONDO:0015356.
Familial cancer of breast. Also called: hereditary breast carcinoma; BREAST CANCER, FAMILIAL; Hereditary breast cancer. Identifiers: Orphanet 227535, MedGen C0346153, MONDO:0016419, OMIM 114480. Disease mechanism: loss of function.
Ataxia-telangiectasia syndrome (AT). Also called: LOUIS-BAR SYNDROME; Cerebello-oculocutaneous telangiectasia; Immunodeficiency with ataxia telangiectasia; Ataxia-telangiectasia, complementation group E; Ataxia telangiectasia (A-T); Ataxia-telangiectasia, complementation group D. Identifiers: Orphanet 100, MedGen C0004135, MONDO:0008840, OMIM 208900.

Allele frequency attached by ClinVar (database versions not stated): 1000 Genomes Project 30x 0.00422; 1000 Genomes Project 0.00439; gnomAD 0.00758 and 0.00782; ExAC 0.00793; gnomAD exomes 0.00796 and 0.01113; TOPMed 0.00796; ESP Exome Variant Server 0.00854.
gnomAD v4.1: 17,270 of 1,613,392 alleles (1.1%); highest among the groups gnomAD compares: Non-Finnish European, 1.3%; 130 homozygotes.

Submissions 1 to 28 of 33:

CeGaT Center for Human Genetics Tuebingen
Classification: Benign. Last evaluated: 2026-09-01. Review status: criteria provided, single submitter. Criteria: CeGaT Center For Human Genetics Tuebingen Variant Classification Criteria Version 2. Collection method: clinical testing. Allele origin: germline. Affected: yes. Observed: 202 variant alleles.
Comment: ATM: BP4, BS1, BS2

Labcorp Genetics (formerly Invitae), Labcorp
Classification: Benign for Ataxia-telangiectasia syndrome. Last evaluated: 2026-02-04. Review status: criteria provided, single submitter. Criteria: Invitae Variant Classification Sherloc (09022015). Collection method: clinical testing. Allele origin: germline.

Genomic Medicine Center of Excellence, King Faisal Specialist Hospital and Research Centre
Classification: Likely benign. Last evaluated: 2025-08-18. Review status: criteria provided, single submitter. Criteria: ACMG Guidelines, 2015. Collection method: clinical testing. Allele origin: germline.

Laboratorio de I+D, Fundación Centro Médico de Asturias
Classification: Benign for Hereditary cancer-predisposing syndrome. Last evaluated: 2025-07-08. Review status: criteria provided, single submitter. Criteria: ACMG Guidelines, 2015. Collection method: clinical testing. Allele origin: germline.
Comment: BS1+BS2+BP4_Strong+BP1

ARUP Laboratories, Molecular Genetics and Genomics, ARUP Laboratories
Classification: Benign. Last evaluated: 2025-06-05. Review status: criteria provided, single submitter. Criteria: ARUP Molecular Germline Variant Investigation Process 2024. Collection method: clinical testing. Allele origin: germline.

Center for Genomic Medicine, Rigshospitalet, Copenhagen University Hospital
Classification: Benign. Last evaluated: 2025-03-04. Review status: criteria provided, single submitter. Criteria: ACMG Guidelines, 2015. Collection method: clinical testing. Allele origin: germline.

Blueprint Genetics
Classification: Likely benign. Last evaluated: 2024-11-27. Review status: criteria provided, single submitter. Criteria: ACMG Guidelines, 2015. Collection method: clinical testing. Allele origin: germline.

Myriad Genetics, Inc.
Classification: Benign for Familial cancer of breast. Last evaluated: 2024-05-07. Review status: criteria provided, single submitter. Criteria: Myriad Autosomal Dominant, Autosomal Recessive and X-Linked Classification Criteria (2023). Collection method: clinical testing. Allele origin: unknown.
Comment: This variant is considered benign. This variant is strongly associated with less severe personal and family histories of cancer, typical for individuals without pathogenic variants in this gene [PMID: 25085752]. This variant has been observed at a population frequency that is significantly greater than expected given the associated disease prevalence and penetrance.

KCCC/NGS Laboratory, Kuwait Cancer Control Center
Classification: Benign for Familial cancer of breast. Last evaluated: 2023-07-07. Review status: criteria provided, single submitter. Criteria: ACMG Guidelines, 2015. Collection method: clinical testing. Allele origin: germline. Affected: yes.

Mayo Clinic Laboratories, Mayo Clinic
Classification: Benign. Last evaluated: 2022-01-25. Review status: criteria provided, single submitter. Criteria: ACMG Guidelines, 2015. Collection method: clinical testing. Allele origin: germline. Observed: 72 variant alleles.
Comment: BS1, BS2, BP4

Quest Diagnostics Nichols Institute San Juan Capistrano
Classification: Benign. Last evaluated: 2021-11-02. Review status: criteria provided, single submitter. Criteria: Quest Diagnostics criteria. Collection method: clinical testing. Allele origin: unknown.

Institute for Biomarker Research, Medical Diagnostic Laboratories, L.L.C.
Classification: Likely benign for Hereditary cancer-predisposing syndrome. Last evaluated: 2018-05-23. Review status: criteria provided, single submitter. Criteria: ACMG Guidelines, 2015. Collection method: clinical testing. Allele origin: germline.

Athena Diagnostics
Classification: Benign. Last evaluated: 2017-08-11. Review status: criteria provided, single submitter. Criteria: Athena Diagnostics Criteria. Collection method: clinical testing. Allele origin: germline.

Genetic Services Laboratory, University of Chicago
Classification: Benign. Last evaluated: 2017-05-18. Review status: criteria provided, single submitter. Criteria: ACMG Guidelines, 2015. Collection method: clinical testing. Allele origin: germline. Affected: no.

Illumina Laboratory Services, Illumina
Classification: Likely benign for Ataxia-telangiectasia syndrome. Last evaluated: 2017-04-27. Review status: criteria provided, single submitter. Criteria: ICSL Variant Classification Criteria 13 December 2019. Collection method: clinical testing. Allele origin: germline.
Comment: This variant was observed as part of a predisposition screen in an ostensibly healthy population. A literature search was performed for the gene, cDNA change, and amino acid change (where applicable). No publications were found based on this search. Allele frequency data from public databases allowed determination this variant is unlikely to cause disease. Therefore, this variant is classified as likely benign.

PreventionGenetics, part of Exact Sciences
Classification: Benign. Last evaluated: 2016-10-10. Review status: criteria provided, single submitter. Criteria: ACMG Guidelines, 2015. Collection method: clinical testing. Allele origin: germline.

Genomic Diagnostic Laboratory, Division of Genomic Diagnostics, Children's Hospital of Philadelphia
Classification: Benign. Last evaluated: 2015-10-11. Review status: criteria provided, single submitter. Criteria: DGD Variant Analysis Guidelines. Collection method: clinical testing. Allele origin: unknown.

Eurofins Ntd Llc (ga)
Classification: Benign. Last evaluated: 2015-02-26. Review status: criteria provided, single submitter. Criteria: EGL Classification Definitions 2015. Collection method: clinical testing. Allele origin: germline. Observed: 1 variant allele, 1 heterozygote.

Color Diagnostics, LLC DBA Color Health
Classification: Benign for Hereditary cancer-predisposing syndrome. Last evaluated: 2014-12-04. Review status: criteria provided, single submitter. Criteria: ACMG Guidelines, 2015. Collection method: clinical testing. Allele origin: germline.

Genome Diagnostics Laboratory, University Medical Center Utrecht
Classification: Likely benign for Ataxia-telangiectasia syndrome. Last evaluated: 2014-10-09. Review status: criteria provided, single submitter. Criteria: ACGS Guidelines, 2013. Collection method: clinical testing. Allele origin: germline. Affected: yes. Study: VKGL Data-share Consensus.

Ambry Genetics
Classification: Benign for Hereditary cancer-predisposing syndrome. Last evaluated: 2014-07-14. Review status: criteria provided, single submitter. Criteria: Ambry Variant Classification Scheme 2023. Collection method: clinical testing. Allele origin: germline.

GeneDx
Classification: Benign. Last evaluated: 2013-09-04. Review status: criteria provided, single submitter. Criteria: GeneDx Variant Classification (06012015). Collection method: clinical testing. Allele origin: germline. Affected: yes.
Comment: This variant is considered likely benign or benign based on one or more of the following criteria: it is a conservative change, it occurs at a poorly conserved position in the protein, it is predicted to be benign by multiple in silico algorithms, and/or has population frequency not consistent with disease.

Breakthrough Genomics
Classification: Likely benign. Review status: criteria provided, single submitter. Criteria: ACMG Guidelines, 2015. Collection method: not provided. Allele origin: germline. Inheritance: Autosomal recessive inheritance. Affected: yes.

True Health Diagnostics
Classification: Likely benign for Hereditary cancer-predisposing syndrome. Last evaluated: 2018-01-12. Review status: no assertion criteria provided. Collection method: clinical testing. Allele origin: germline. Not counted in ClinVar's aggregate classification.

Counsyl
Classification: Likely benign for Ataxia-telangiectasia syndrome. Last evaluated: 2017-02-28. Review status: no assertion criteria provided. Collection method: clinical testing. Allele origin: unknown. Not counted in ClinVar's aggregate classification.

Genome Diagnostics Laboratory, Amsterdam University Medical Center
Classification: Likely benign for Ataxia-telangiectasia syndrome. Last evaluated: 2015-11-08. Review status: no assertion criteria provided. Criteria: ACGS Guidelines, 2013. Collection method: clinical testing. Allele origin: germline. Affected: yes. Study: VKGL Data-share Consensus. Not counted in ClinVar's aggregate classification.

ITMI
No classification provided. Condition: AllHighlyPenetrant. Last evaluated: 2013-09-19. Review status: no classification provided. Collection method: reference population. Allele origin: germline. Not counted in ClinVar's aggregate classification.
Comment: Please see associated publication for description of ethnicities

Clinical Genetics Laboratory, Department of Pathology, Netherlands Cancer Institute
Classification: Likely benign. Review status: no assertion criteria provided. Collection method: clinical testing. Allele origin: germline. Affected: yes. Study: VKGL Data-share Consensus. Not counted in ClinVar's aggregate classification.